The following is an entry in ClinVar:

NM_001297.5(CNGB1):c.2210G>A (p.Arg737His)

Gene: CNGB1 (cyclic nucleotide gated channel subunit beta 1; minus strand). Cytogenetic location: 16q21.
Variant type: single nucleotide variant.
Coding change: c.2210G>A on transcript NM_001297.5 (MANE Select); coding-DNA position 2210, G replaced by A.
Protein change: p.Arg737His; replaces arginine 737 with histidine.
Molecular consequence: missense variant.
Genome position (GRCh38, 1-based): chr16:57,916,136, C>T on the plus strand (G>A on the coding strand, the complement: CNGB1 is on the minus strand). VCF-style: chr16-57916136-C-T. GRCh37 (hg19) VCF-style: chr16-57950040-C-T.
Other names: c.2192G>A, p.Arg731His (NM_001286130.2); short protein forms R731H, R737H.
Identifiers: ClinVar variation 1432098 (VCV001432098.9), dbSNP rs764107600, ClinGen allele CA8083120.

ClinVar aggregate classification (germline): Uncertain significance. Review status: criteria provided, multiple submitters, no conflicts (2 of 4 stars). 6 submissions from 6 submitters: Uncertain significance (6). Last evaluated 2025-10-13.

Conditions:
Retinitis pigmentosa 45 (RP45). Identifiers: Orphanet 791, MedGen C3151066, MONDO:0013413, OMIM 613767.
Retinal dystrophy. Also called: Inherited retinal dystrophy. Identifiers: Orphanet 71862, MedGen C0854723, MeSH D058499, MONDO:0019118, HP:0000556.

Allele frequency attached by ClinVar (database versions not stated): gnomAD exomes 0.00001 and 0.00002; ExAC 0.00002; gnomAD 0.00002; TOPMed 0.00002.
gnomAD v4.1: 34 of 1,613,858 alleles (0.0021%); highest among the groups gnomAD compares: Middle Eastern, 0.082%; no homozygotes.

Submissions (6):

Women's Health and Genetics/Laboratory Corporation of America, LabCorp
Classification: Uncertain significance. Last evaluated: 2025-10-13. Review status: criteria provided, single submitter. Criteria: LabCorp Variant Classification Summary - May 2015. Collection method: clinical testing. Allele origin: germline.
Comment: Variant summary: CNGB1 c.2210G>A (p.Arg737His) results in a non-conservative amino acid change in the encoded protein sequence. Algorithms developed to predict the effect of missense changes on protein structure and function are either unavailable or do not agree on the potential impact of this missense change. The variant allele was found at a frequency of 1.2e-05 in 249586 control chromosomes. The available data on variant occurrences in the general population are insufficient to allow any conclusion about variant significance. c.2210G>A has been observed in the presumed compound heterozygous state in at least 1 individual(s) affected with clinical features of Retinitis Pigmentosa, as well as other individuals with inherited retinal dystrophy without strong evidence for causality (example, Weisschuh_2024, Nassisi_2021, Charbel Issa_2018, Weisschuh_2020, Glickle_2014). These data do not allow any conclusion about variant significance. To our knowledge, no experimental evidence demonstrating an impact on protein function has been reported. The following publications have been ascertained in the context of this evaluation (PMID: 37734845, 33847019, 29800053, 24670920, 34426522, 32531858, 23591405). ClinVar contains an entry for this variant (Variation ID: 1432098). Based on the evidence outlined above, the variant was classified as uncertain significance.

Blueprint Genetics
Classification: Uncertain significance. Last evaluated: 2024-04-17. Review status: criteria provided, single submitter. Criteria: ACMG Guidelines, 2015. Collection method: clinical testing. Allele origin: germline.

Labcorp Genetics (formerly Invitae), Labcorp
Classification: Uncertain significance. Last evaluated: 2023-10-13. Review status: criteria provided, single submitter. Criteria: Invitae Variant Classification Sherloc (09022015). Collection method: clinical testing. Allele origin: germline.
Comment: This sequence change replaces arginine, which is basic and polar, with histidine, which is basic and polar, at codon 737 of the CNGB1 protein (p.Arg737His). This variant is present in population databases (rs764107600, gnomAD 0.008%). This missense change has been observed in individual(s) with inherited retinal dystrophy (PMID: 29800053, 33847019). ClinVar contains an entry for this variant (Variation ID: 1432098). An algorithm developed to predict the effect of missense changes on protein structure and function (PolyPhen-2) suggests that this variant¬†is likely to be tolerated. In summary, the available evidence is currently insufficient to determine the role of this variant in disease. Therefore, it has been classified as a Variant of Uncertain Significance.

Institute of Human Genetics, Univ. Regensburg, Univ. Regensburg
Classification: Uncertain significance for Retinal dystrophy. Last evaluated: 2022-01-01. Review status: criteria provided, single submitter. Criteria: ACMG Guidelines, 2015. Collection method: clinical testing. Allele origin: germline. Affected: yes.

Fulgent Genetics
Classification: Uncertain significance for Retinitis pigmentosa 45. Last evaluated: 2021-12-03. Review status: criteria provided, single submitter. Criteria: ACMG Guidelines, 2015. Collection method: clinical testing. Allele origin: unknown.

Breakthrough Genomics
Classification: Uncertain significance. Review status: criteria provided, single submitter. Criteria: ACMG Guidelines, 2015. Collection method: not provided. Allele origin: germline. Inheritance: Autosomal recessive inheritance. Affected: yes.

Literature cited by the submitters: PubMed 23591405 (cited by Women's Health and Genetics/Laboratory Corporation of America, LabCorp); PubMed 32531858 (cited by Women's Health and Genetics/Laboratory Corporation of America, LabCorp and Institute of Human Genetics, Univ. Regensburg, Univ. Regensburg); PubMed 34426522 (cited by Women's Health and Genetics/Laboratory Corporation of America, LabCorp and Institute of Human Genetics, Univ. Regensburg, Univ. Regensburg); PubMed 33847019 (cited by Women's Health and Genetics/Laboratory Corporation of America, LabCorp and Labcorp Genetics (formerly Invitae), Labcorp); PubMed 37734845 (cited by Women's Health and Genetics/Laboratory Corporation of America, LabCorp); PubMed 24670920 (cited by Women's Health and Genetics/Laboratory Corporation of America, LabCorp); PubMed 29800053 (cited by 3 submitters).